The following is an entry in ClinVar:

ClinVar aggregate classification (germline): Uncertain significance. Review status: criteria provided, multiple submitters, no conflicts (2 of 4 stars). 2 submissions from 2 submitters: Uncertain significance (2). Last evaluated 2024-03-13.

Conditions:
Catecholaminergic polymorphic ventricular tachycardia 1. Also called: RYR2-Related Catecholaminergic Polymorphic Ventricular Tachycardia; VENTRICULAR TACHYCARDIA, STRESS-INDUCED POLYMORPHIC 1; VENTRICULAR TACHYCARDIA, CATECHOLAMINERGIC POLYMORPHIC, 1, WITH OR WITHOUT ATRIAL DYSFUNCTION AND/OR DILATED CARDIOMYOPATHY. Identifiers: Orphanet 3286, MedGen C1631597, MONDO:0011484, OMIM 604772.

gnomAD v4.1: 5 of 1,613,996 alleles (0.00031%); highest among the groups gnomAD compares: Non-Finnish European, 0.00034%; no homozygotes.

Submissions (2):

GeneDx
Classification: Uncertain significance. Last evaluated: 2024-03-13. Review status: criteria provided, single submitter. Criteria: GeneDx Variant Classification Process June 2021. Collection method: clinical testing. Allele origin: germline. Affected: yes.
Comment: Not observed at significant frequency in large population cohorts (gnomAD); In silico analysis supports that this missense variant has a deleterious effect on protein structure/function; Has not been previously published as pathogenic or benign to our knowledge; This variant is associated with the following publications: (PMID: 19926015)

Labcorp Genetics (formerly Invitae), Labcorp
Classification: Uncertain significance for Catecholaminergic polymorphic ventricular tachycardia 1. Last evaluated: 2023-04-16. Review status: criteria provided, single submitter. Criteria: Invitae Variant Classification Sherloc (09022015). Collection method: clinical testing. Allele origin: germline.
Comment: This variant is not present in population databases (gnomAD no frequency). In summary, the available evidence is currently insufficient to determine the role of this variant in disease. Therefore, it has been classified as a Variant of Uncertain Significance. Advanced modeling of protein sequence and biophysical properties (such as structural, functional, and spatial information, amino acid conservation, physicochemical variation, residue mobility, and thermodynamic stability) performed at Invitae indicates that this missense variant is expected to disrupt RYR2 protein function. This variant has not been reported in the literature in individuals affected with RYR2-related conditions. This sequence change replaces aspartic acid, which is acidic and polar, with asparagine, which is neutral and polar, at codon 2567 of the RYR2 protein (p.Asp2567Asn).

NM_001035.3(RYR2):c.7699G>A (p.Asp2567Asn)

Gene: RYR2 (ryanodine receptor 2; plus strand). Cytogenetic location: 1q43.
Variant type: single nucleotide variant.
Coding change: c.7699G>A on transcript NM_001035.3 (MANE Select); coding-DNA position 7699, G replaced by A.
Protein change: p.Asp2567Asn; replaces aspartic acid 2567 with asparagine.
Molecular consequence: missense variant.
Genome position (GRCh38, 1-based): chr1:237,650,063, G>A. VCF-style: chr1-237650063-G-A. GRCh37 (hg19) VCF-style: chr1-237813363-G-A.
Other names: c.7699G>A (NM_001035.2); short protein forms D2567N.
Identifiers: ClinVar variation 2856775 (VCV002856775.4), dbSNP rs550513304, ClinGen allele CA087451.